The following is an entry in ClinVar:

NM_001372078.1(REV3L):c.3429A>T (p.Ala1143=)

Gene: REV3L (REV3 like, DNA directed polymerase zeta catalytic subunit; minus strand). Cytogenetic location: 6q21.
Variant type: single nucleotide variant.
Coding change: c.3429A>T on transcript NM_001372078.1 (MANE Select); coding-DNA position 3429, A replaced by T.
Protein change: p.Ala1143=; no amino-acid change (alanine 1143 retained).
Molecular consequence: synonymous variant.
Genome position (GRCh38, 1-based): chr6:111,374,926, T>A on the plus strand (A>T on the coding strand, the complement: REV3L is on the minus strand). VCF-style: chr6-111374926-T-A. GRCh37 (hg19) VCF-style: chr6-111696129-T-A.
Other names: c.3195A>T, p.Ala1065= (NM_001286431.2, NM_001286432.2); c.3429A>T, p.Ala1143= (NM_002912.5).
Identifiers: ClinVar variation 3056062 (VCV003056062.2), dbSNP rs3218591, ClinGen allele CA3962203.

ClinVar aggregate classification (germline): Benign (0 of 4 stars; one submission).

Conditions:
REV3L-related disorder. Also called: REV3L-related condition.

Allele frequency attached by ClinVar (database versions not stated): 1000 Genomes Project 0.06030; 1000 Genomes Project 30x 0.06137; gnomAD 0.10727; TOPMed 0.10730; ExAC 0.10894; ESP Exome Variant Server 0.11579; gnomAD exomes 0.14054.
gnomAD v4.1: 221,628 of 1,612,730 alleles (14%); highest among the groups gnomAD compares: Middle Eastern, 18%; 17,256 homozygotes.

Submission:

PreventionGenetics, part of Exact Sciences
Classification: Benign for REV3L-related condition. Last evaluated: 2019-06-07. Review status: no assertion criteria provided. Collection method: clinical testing. Allele origin: germline.
Comment: This variant is classified as benign based on ACMG/AMP sequence variant interpretation guidelines (Richards et al. 2015 PMID: 25741868, with internal and published modifications).